The following is an entry in ClinVar:

ClinVar aggregate classification (germline): Uncertain significance (1 of 4 stars; one submission).

Submission:

Labcorp Genetics (formerly Invitae), Labcorp
Classification: Uncertain significance. Last evaluated: 2023-07-17. Review status: criteria provided, single submitter. Criteria: Invitae Variant Classification Sherloc (09022015). Collection method: clinical testing. Allele origin: germline.
Comment: In summary, the available evidence is currently insufficient to determine the role of this variant in disease. Therefore, it has been classified as a Variant of Uncertain Significance. Advanced modeling of protein sequence and biophysical properties (such as structural, functional, and spatial information, amino acid conservation, physicochemical variation, residue mobility, and thermodynamic stability) performed at Invitae indicates that this missense variant is not expected to disrupt CNGB3 protein function. ClinVar contains an entry for this variant (Variation ID: 1485775). This variant has not been reported in the literature in individuals affected with CNGB3-related conditions. This variant is not present in population databases (gnomAD no frequency). This sequence change replaces glutamic acid, which is acidic and polar, with glycine, which is neutral and non-polar, at codon 126 of the CNGB3 protein (p.Glu126Gly).

NM_019098.5(CNGB3):c.377A>G (p.Glu126Gly)

Gene: CNGB3 (cyclic nucleotide gated channel subunit beta 3; minus strand). Cytogenetic location: 8q21.3.
Variant type: single nucleotide variant.
Coding change: c.377A>G on transcript NM_019098.5 (MANE Select); coding-DNA position 377, A replaced by G.
Protein change: p.Glu126Gly; replaces glutamic acid 126 with glycine.
Molecular consequence: missense variant.
Genome position (GRCh38, 1-based): chr8:86,671,060, T>C on the plus strand (A>G on the coding strand, the complement: CNGB3 is on the minus strand). VCF-style: chr8-86671060-T-C. GRCh37 (hg19) VCF-style: chr8-87683288-T-C.
Other names: short protein forms E126G.
Identifiers: ClinVar variation 1485775 (VCV001485775.6), dbSNP rs2131619072, ClinGen allele CA371450271.